The following is an entry in ClinVar:

NM_006892.4(DNMT3B):c.275G>A (p.Arg92Gln)

Gene: DNMT3B (DNA methyltransferase 3 beta; plus strand). Cytogenetic location: 20q11.21.
Variant type: single nucleotide variant.
Coding change: c.275G>A on transcript NM_006892.4 (MANE Select); coding-DNA position 275, G replaced by A.
Protein change: p.Arg92Gln; replaces arginine 92 with glutamine.
Molecular consequence: missense variant. On other transcripts: intron variant (1).
Genome position (GRCh38, 1-based): chr20:32,784,828, G>A. VCF-style: chr20-32784828-G-A. GRCh37 (hg19) VCF-style: chr20-31372634-G-A.
Other names: c.275G>A, p.Arg92Gln (NM_001207055.2, NM_175848.2, NM_175849.2); c.311G>A, p.Arg104Gln (NM_175850.3); c.205-2402G>A (NM_001207056.2); short protein forms R92Q, R104Q.
Identifiers: ClinVar variation 1424716 (VCV001424716.16), dbSNP rs201395541, ClinGen allele CA9810116.

ClinVar aggregate classification (germline): Uncertain significance. Review status: criteria provided, multiple submitters, no conflicts (2 of 4 stars). 2 submissions from 2 submitters: Uncertain significance (2). Last evaluated 2024-12-01.

Conditions:
Centromeric instability of chromosomes 1,9 and 16 and immunodeficiency (ICF1). Also called: CENTROMERIC INSTABILITY, IMMUNODEFICIENCY SYNDROME; Immunodeficiency-centromeric instability-facial anomalies; IMMUNE DEFICIENCY, VARIABLE, WITH CENTROMERIC INSTABILITY OF CHROMOSOMES 1, 9, AND 16; IMMUNODEFICIENCY SYNDROME, VARIABLE. Identifiers: Orphanet 2268, MedGen C0398788, MONDO:0000133.

Allele frequency attached by ClinVar (database versions not stated): gnomAD 0.00001; ExAC 0.00002; gnomAD exomes 0.00002; 1000 Genomes Project 30x 0.00016; 1000 Genomes Project 0.00020.
gnomAD v4.1: 24 of 1,614,044 alleles (0.0015%); highest among the groups gnomAD compares: Non-Finnish European, 0.002%; no homozygotes.

Submissions (2):

CeGaT Center for Human Genetics Tuebingen
Classification: Uncertain significance. Last evaluated: 2024-12-01. Review status: criteria provided, single submitter. Criteria: CeGaT Center For Human Genetics Tuebingen Variant Classification Criteria Version 2. Collection method: clinical testing. Allele origin: germline. Affected: yes. Observed: 1 variant allele.
Comment: DNMT3B: PM2

Labcorp Genetics (formerly Invitae), Labcorp
Classification: Uncertain significance for Centromeric instability of chromosomes 1,9 and 16 and immunodeficiency. Last evaluated: 2021-08-02. Review status: criteria provided, single submitter. Criteria: Invitae Variant Classification Sherloc (09022015). Collection method: clinical testing. Allele origin: germline.
Comment: This sequence change replaces arginine with glutamine at codon 92 of the DNMT3B protein (p.Arg92Gln). The arginine residue is highly conserved and there is a small physicochemical difference between arginine and glutamine. This variant is present in population databases (rs201395541, ExAC 0.003%). This variant has not been reported in the literature in individuals affected with DNMT3B-related conditions. Algorithms developed to predict the effect of missense changes on protein structure and function are either unavailable or do not agree on the potential impact of this missense change (SIFT: "Tolerated"; PolyPhen-2: "Probably Damaging"; Align-GVGD: "Class C0"). Algorithms developed to predict the effect of sequence changes on RNA splicing suggest that this variant may create or strengthen a splice site. In summary, the available evidence is currently insufficient to determine the role of this variant in disease. Therefore, it has been classified as a Variant of Uncertain Significance.